The following is an entry in ClinVar:

NM_005530.3(IDH3A):c.1003A>G (p.Ile335Val)

Gene: IDH3A (isocitrate dehydrogenase (NAD(+)) 3 catalytic subunit alpha; plus strand). Cytogenetic location: 15q25.1.
Variant type: single nucleotide variant.
Coding change: c.1003A>G on transcript NM_005530.3 (MANE Select); coding-DNA position 1003, A replaced by G.
Protein change: p.Ile335Val; replaces isoleucine 335 with valine.
Molecular consequence: missense variant.
Genome position (GRCh38, 1-based): chr15:78,166,288, A>G. VCF-style: chr15-78166288-A-G. GRCh37 (hg19) VCF-style: chr15-78458630-A-G.
Other names: short protein forms I335V.
Identifiers: ClinVar variation 959951 (VCV000959951.8), dbSNP rs972029227, ClinGen allele CA393546555.

ClinVar aggregate classification (germline): Uncertain significance (1 of 4 stars; one submission).

Allele frequency attached by ClinVar (database versions not stated): gnomAD exomes below 0.00001; TOPMed below 0.00001.
gnomAD v4.1: 1 of 1,614,176 alleles (0.000062%); highest among the groups gnomAD compares: Non-Finnish European, 0.000085%; no homozygotes.

Submission:

Labcorp Genetics (formerly Invitae), Labcorp
Classification: Uncertain significance. Last evaluated: 2024-10-07. Review status: criteria provided, single submitter. Criteria: Invitae Variant Classification Sherloc (09022015). Collection method: clinical testing. Allele origin: germline.
Comment: This sequence change replaces isoleucine, which is neutral and non-polar, with valine, which is neutral and non-polar, at codon 335 of the IDH3A protein (p.Ile335Val). This variant is not present in population databases (gnomAD no frequency). This variant has not been reported in the literature in individuals affected with IDH3A-related conditions. ClinVar contains an entry for this variant (Variation ID: 959951). Invitae Evidence Modeling of protein sequence and biophysical properties (such as structural, functional, and spatial information, amino acid conservation, physicochemical variation, residue mobility, and thermodynamic stability) indicates that this missense variant is not expected to disrupt IDH3A protein function with a negative predictive value of 80%. In summary, the available evidence is currently insufficient to determine the role of this variant in disease. Therefore, it has been classified as a Variant of Uncertain Significance.